The following is an entry in ClinVar:

NM_002016.2(FLG):c.6652G>A (p.Asp2218Asn)

Genes: CCDST (cervical cancer associated DHX9 suppressive transcript; plus strand), FLG (filaggrin; minus strand). Cytogenetic location: 1q21.3.
Variant type: single nucleotide variant.
Coding change: c.6652G>A on transcript NM_002016.2 (MANE Select); coding-DNA position 6652, G replaced by A.
Protein change: p.Asp2218Asn; replaces aspartic acid 2218 with asparagine.
Molecular consequence: missense variant.
Genome position (GRCh38, 1-based): chr1:152,308,234, C>T on the plus strand (G>A on the coding strand, the complement: FLG is on the minus strand). VCF-style: chr1-152308234-C-T. GRCh37 (hg19) VCF-style: chr1-152280710-C-T.
Other names: short protein forms D2218N.
Identifiers: ClinVar variation 1213639 (VCV001213639.38), dbSNP rs143707744, ClinGen allele CA1105128.
Genomic context (GRCh38, chr1:152,308,234, plus strand): 5'-GCCTGCTTGTCCTGGGCCCTGATGATTGTCCCTGGCCCACCAGTGAGTGTCTAGAGCTGT[C>T]GGCCCAAGAGGAAGCTTCATGATGATGCGACCCTGAGTGCCTAGAGCCATCTCCTGATTG-3'
Protein context (NP_002007.1, residues 2208-2228): SHHHEASSWA[Asp2218Asn]SSRHSLVGQG

ClinVar aggregate classification (germline): Likely benign. Review status: criteria provided, multiple submitters, no conflicts (2 of 4 stars). 4 submissions from 4 submitters: Likely benign (4). Last evaluated 2023-10-01.

Conditions:
Ichthyosis vulgaris. Also called: ICHTHYOSIS SIMPLEX; Dominant ichthyosis vulgaris. Identifiers: MedGen C0079584, MONDO:0024304, OMIM 146700.

Allele frequency attached by ClinVar (database versions not stated): ExAC 0.00112; 1000 Genomes Project 30x 0.00141.

Submissions (4):

CeGaT Center for Human Genetics Tuebingen
Classification: Likely benign. Last evaluated: 2023-10-01. Review status: criteria provided, single submitter. Criteria: CeGaT Center For Human Genetics Tuebingen Variant Classification Criteria Version 2. Collection method: clinical testing. Allele origin: germline. Affected: yes. Observed: 3 variant alleles.
Comment: FLG: BP4

Genome-Nilou Lab
Classification: Likely benign for Ichthyosis vulgaris. Last evaluated: 2023-04-11. Review status: criteria provided, single submitter. Criteria: ACMG Guidelines, 2015. Collection method: clinical testing. Allele origin: germline. Affected: no.

GeneDx
Classification: Likely benign. Last evaluated: 2018-07-05. Review status: criteria provided, single submitter. Criteria: GeneDx Variant Classification Process June 2021. Collection method: clinical testing. Allele origin: germline. Affected: yes.

Breakthrough Genomics
Classification: Likely benign. Review status: criteria provided, single submitter. Criteria: ACMG Guidelines, 2015. Collection method: not provided. Allele origin: germline. Inheritance: Autosomal dominant inheritance. Affected: yes.